The following is an entry in ClinVar:

NM_014491.4(FOXP2):c.1232T>A (p.Met411Lys)

Gene: FOXP2 (forkhead box P2; plus strand). Cytogenetic location: 7q31.1.
Variant type: single nucleotide variant.
Coding change: c.1232T>A on transcript NM_014491.4 (MANE Select); coding-DNA position 1232, T replaced by A.
Protein change: p.Met411Lys; replaces methionine 411 with lysine.
Molecular consequence: missense variant. On other transcripts: non-coding transcript variant (2).
Genome position (GRCh38, 1-based): chr7:114,653,975, T>A. VCF-style: chr7-114653975-T-A. GRCh37 (hg19) VCF-style: chr7-114294030-T-A.
Other names: c.1229T>A, p.Met410Lys (NM_001172766.3); c.1307T>A, p.Met436Lys (NM_001172767.2, NM_148898.4); c.1232T>A, p.Met411Lys (NM_148899.3); c.1283T>A, p.Met428Lys (NM_148900.4); short protein forms M410K, M411K, M428K, M436K.
Identifiers: ClinVar variation 3602812 (VCV003602812.1).
Genomic context (GRCh38, chr7:114,653,975, plus strand): 5'-TTTCTTAACAGCTTTCTAAAGAACGCGAACGTCTTCAAGCAATGATGACCCACTTGCACA[T>A]GCGACCCTCAGAGCCCAAACCATCTCCCAAACCTGTAAGTGCATATTGCTTTATAAACAG-3'
Protein context (NP_055306.1, residues 401-421): RLQAMMTHLH[Met411Lys]RPSEPKPSPK

ClinVar aggregate classification (germline): Uncertain significance (1 of 4 stars; one submission).

Submission:

GeneDx
Classification: Uncertain significance. Last evaluated: 2024-08-05. Review status: criteria provided, single submitter. Criteria: GeneDx Variant Classification Process June 2021. Collection method: clinical testing. Allele origin: germline. Affected: yes.
Comment: Not observed at significant frequency in large population cohorts (gnomAD); In silico analysis supports that this missense variant has a deleterious effect on protein structure/function; Has not been previously published as pathogenic or benign to our knowledge